The following is an entry in ClinVar:

ClinVar aggregate classification (germline): Uncertain significance (1 of 4 stars; one submission).

Submission:

Labcorp Genetics (formerly Invitae), Labcorp
Classification: Uncertain significance. Last evaluated: 2024-11-13. Review status: criteria provided, single submitter. Criteria: Invitae Variant Classification Sherloc (09022015). Collection method: clinical testing. Allele origin: germline.
Comment: This sequence change creates a premature translational stop signal (p.Asp299Thrfs*64) in the SIAE gene. It is expected to result in an absent or disrupted protein product. However, the current clinical and genetic evidence is not sufficient to establish whether loss-of-function variants in SIAE cause disease. This variant is not present in population databases (gnomAD no frequency). This variant has not been reported in the literature in individuals affected with SIAE-related conditions. In summary, the available evidence is currently insufficient to determine the role of this variant in disease. Therefore, it has been classified as a Variant of Uncertain Significance.

NM_170601.5(SIAE):c.894del (p.Asp299fs)

Gene: SIAE (sialic acid acetylesterase; minus strand). Cytogenetic location: 11q24.2.
Variant type: Deletion.
Coding change: c.894del on transcript NM_170601.5 (MANE Select); coding-DNA position 894, one base deleted (A; older notation c.894delA).
Protein change: p.Asp299fs; shifts the reading frame from aspartic acid 299.
Molecular consequence: frameshift variant.
Genome position (GRCh38, 1-based): chr11:124,647,437, T deleted on the plus strand (A on the coding strand, the reverse complement: SIAE is on the minus strand); the first of 2 consecutive T bases (chr11:124,647,437-124,647,438); deleting either gives the same sequence. VCF-style (leftmost placement, unchanged base first): chr11-124647436-CT-C. GRCh37 (hg19) VCF-style: chr11-124517332-CT-C.
Other names: c.789del, p.Asp264fs (NM_001199922.2); short protein forms D299fs, D264fs.
Identifiers: ClinVar variation 3725204 (VCV003725204.2).